The following is an entry in ClinVar:

NM_016648.4(LARP7):c.731del (p.Ser244fs)

Genes: LARP7 (La ribonucleoprotein 7, transcriptional regulator; plus strand), MIR302CHG (miR-302/367 cluster host gene; minus strand). Cytogenetic location: 4q25.
Variant type: Deletion.
Coding change: c.731del on transcript NM_016648.4 (MANE Select); coding-DNA position 731, one base deleted (G; older notation c.731delG).
Protein change: p.Ser244fs; shifts the reading frame from serine 244.
Molecular consequence: frameshift variant.
Genome position (GRCh38, 1-based): chr4:112,647,283, G deleted. VCF-style (leftmost placement, unchanged base first): chr4-112647282-AG-A. GRCh37 (hg19) VCF-style: chr4-113568438-AG-A.
Other names: c.752del (NM_001267039.1); c.731del, p.Ser244fs (NM_001267039.4, NM_001370974.1, NM_001370975.1 and 2 more transcripts); c.728del, p.Ser243fs (NM_001370976.1, NM_001370977.1, NM_001370979.1 and 1 more transcripts); c.494del, p.Ser165fs (NM_001370981.1, NM_001370982.1); short protein forms S165fs, S243fs, S244fs.
Identifiers: ClinVar variation 3065915 (VCV003065915.3), dbSNP rs752648225, ClinGen allele CA3049253.

ClinVar aggregate classification (germline): Pathogenic/Likely pathogenic. Review status: criteria provided, multiple submitters, no conflicts (2 of 4 stars). 3 submissions from 3 submitters: Pathogenic (1); Likely pathogenic (2). Last evaluated 2024-10-04.

Conditions:
Microcephalic primordial dwarfism, Alazami type. Also called: FACIAL DYSMORPHISM, INTELLECTUAL DISABILITY, AND PRIMORDIAL DWARFISM; Alazami syndrome. Identifiers: Orphanet 319671, MedGen C3554439, MONDO:0014031, OMIM 615071.

Allele frequency attached by ClinVar (database versions not stated): ExAC 0.00001.

Submissions (3):

Dubai Health Genomic Medicine Center, Dubai Health
Classification: Likely pathogenic for Alazami syndrome. Last evaluated: 2024-10-04. Review status: criteria provided, single submitter. Criteria: ACMG Guidelines, 2015. Collection method: research. Allele origin: germline. Affected: yes.
Comment: PVS1,PM2

Palindrome, Gene Kavoshgaran Aria
Classification: Pathogenic for Microcephalic primordial dwarfism, Alazami type. Last evaluated: 2024-07-15. Review status: criteria provided, single submitter. Criteria: ACMG Guidelines, 2015. Collection method: clinical testing. Allele origin: germline. Inheritance: Autosomal recessive inheritance. Affected: yes. Observed: 1 homozygote.

Genomic Medicine Center of Excellence, King Faisal Specialist Hospital and Research Centre
Classification: Likely pathogenic for Microcephalic primordial dwarfism, Alazami type. Last evaluated: 2024-03-29. Review status: criteria provided, single submitter. Criteria: ACMG Guidelines, 2015. Collection method: clinical testing. Allele origin: germline.